The following is an entry in ClinVar:

NM_001371194.2(SEMA4D):c.2182C>T (p.Leu728Phe)

Gene: SEMA4D (semaphorin 4D; minus strand). Cytogenetic location: 9q22.2.
Variant type: single nucleotide variant.
Coding change: c.2182C>T on transcript NM_001371194.2 (MANE Select); coding-DNA position 2182, C replaced by T.
Protein change: p.Leu728Phe; replaces leucine 728 with phenylalanine.
Molecular consequence: missense variant. On other transcripts: intron variant (6).
Genome position (GRCh38, 1-based): chr9:89,379,111, G>A on the plus strand (C>T on the coding strand, the complement: SEMA4D is on the minus strand). VCF-style: chr9-89379111-G-A. GRCh37 (hg19) VCF-style: chr9-91994026-G-A.
Other names: c.2182C>T, p.Leu728Phe (NM_001371195.1, NM_001371196.1, NM_001371197.1 and 1 more transcripts); c.1663+1944C>T (NM_001371198.1, NM_001371201.1, NM_001371202.1 and 3 more transcripts); short protein forms L728F.
Identifiers: ClinVar variation 3044594 (VCV003044594.2), dbSNP rs79522330, ClinGen allele CA5118144.
Genomic context (GRCh38, chr9:89,379,111, plus strand): 5'-GGAAGAGAACAAAGAAGAAGAGGAAGAGGGACATGAGGAGGCGGTTGTCGCTGGACTTAA[G>A]ATACATGGTTTTCTCCGAGTGGAGCTGGGGGACCGTGTTGATGACGATCTTTGGTTCGCA-3'
Protein context (NP_001358123.1, residues 718-738): PQLHSEKTMY[Leu728Phe]KSSDNRLLMS

ClinVar aggregate classification (germline): Benign (0 of 4 stars; one submission).

Conditions:
SEMA4D-related disorder. Also called: SEMA4D-related condition.

Allele frequency attached by ClinVar (database versions not stated): gnomAD exomes 0.00065; ExAC 0.00208; gnomAD 0.00658; ESP Exome Variant Server 0.00661; 1000 Genomes Project 0.00779; TOPMed 0.00784; 1000 Genomes Project 30x 0.00812.
gnomAD v4.1: 1,973 of 1,614,178 alleles (0.12%); highest among the groups gnomAD compares: African/African-American, 2.3%; 22 homozygotes.

Submission:

PreventionGenetics, part of Exact Sciences
Classification: Benign for SEMA4D-related condition. Last evaluated: 2020-01-29. Review status: no assertion criteria provided. Collection method: clinical testing. Allele origin: germline.
Comment: This variant is classified as benign based on ACMG/AMP sequence variant interpretation guidelines (Richards et al. 2015 PMID: 25741868, with internal and published modifications).